The following is an entry in ClinVar:

NM_015335.5(MED13L):c.6454C>T (p.Arg2152Trp)

Gene: MED13L (mediator complex subunit 13L; minus strand). Cytogenetic location: 12q24.21.
Variant type: single nucleotide variant.
Coding change: c.6454C>T on transcript NM_015335.5 (MANE Select); coding-DNA position 6454, C replaced by T.
Protein change: p.Arg2152Trp; replaces arginine 2152 with tryptophan.
Molecular consequence: missense variant.
Genome position (GRCh38, 1-based): chr12:115,963,453, G>A on the plus strand (C>T on the coding strand, the complement: MED13L is on the minus strand). VCF-style: chr12-115963453-G-A. GRCh37 (hg19) VCF-style: chr12-116401258-G-A.
Other names: short protein forms R2152W.
Identifiers: ClinVar variation 2918341 (VCV002918341.1), dbSNP rs755044661, ClinGen allele CA386873702.

ClinVar aggregate classification (germline): Uncertain significance (1 of 4 stars; one submission).

Conditions:
Dextro-looped transposition of the great arteries. Also called: Dextrotransposition of the great arteries. Identifiers: Orphanet 860, MedGen C3531771, MONDO:0019443, OMIM 608808, HP:0031348.

Allele frequency attached by ClinVar (database versions not stated): TOPMed below 0.00001; gnomAD 0.00001.
gnomAD v4.1: 13 of 1,614,038 alleles (0.00081%); highest among the groups gnomAD compares: Middle Eastern, 0.016%; no homozygotes.

Submission:

Labcorp Genetics (formerly Invitae), Labcorp
Classification: Uncertain significance for Dextro-looped transposition of the great arteries. Last evaluated: 2024-01-29. Review status: criteria provided, single submitter. Criteria: Invitae Variant Classification Sherloc (09022015). Collection method: clinical testing. Allele origin: germline.
Comment: This sequence change replaces arginine, which is basic and polar, with tryptophan, which is neutral and slightly polar, at codon 2152 of the MED13L protein (p.Arg2152Trp). This variant is present in population databases (no rsID available, gnomAD 0.007%). This variant has not been reported in the literature in individuals affected with MED13L-related conditions. Algorithms developed to predict the effect of missense changes on protein structure and function output the following: SIFT: "Not Available"; PolyPhen-2: "Probably Damaging"; Align-GVGD: "Not Available". The tryptophan amino acid residue is found in multiple mammalian species, which suggests that this missense change does not adversely affect protein function. In summary, the available evidence is currently insufficient to determine the role of this variant in disease. Therefore, it has been classified as a Variant of Uncertain Significance.